The following is an entry in ClinVar:

ClinVar aggregate classification (germline): Uncertain significance. Review status: criteria provided, multiple submitters, no conflicts (2 of 4 stars). 2 submissions from 2 submitters: Uncertain significance (2). Last evaluated 2025-07-01.

Conditions:
Combined immunodeficiency due to ORAI1 deficiency. Also called: IMMUNODEFICIENCY 9. Identifiers: Orphanet 169090, Orphanet 317428, MedGen C2748568, MONDO:0013007, OMIM 612782.
Myopathy, tubular aggregate, 2 (TAM2). Identifiers: MedGen C4014557, MONDO:0014383, OMIM 615883.

Submissions (2):

CeGaT Center for Human Genetics Tuebingen
Classification: Uncertain significance. Last evaluated: 2025-07-01. Review status: criteria provided, single submitter. Criteria: CeGaT Center For Human Genetics Tuebingen Variant Classification Criteria Version 2. Collection method: clinical testing. Allele origin: germline. Affected: yes. Observed: 1 variant allele.
Comment: ORAI1: PM2

Labcorp Genetics (formerly Invitae), Labcorp
Classification: Uncertain significance for Myopathy, tubular aggregate, 2; Combined immunodeficiency due to ORAI1 deficiency. Last evaluated: 2025-02-09. Review status: criteria provided, single submitter. Criteria: Invitae Variant Classification Sherloc (09022015). Collection method: clinical testing. Allele origin: germline.
Comment: This sequence change replaces histidine, which is basic and polar, with glutamine, which is neutral and polar, at codon 2 of the ORAI1 protein (p.His2Gln). The frequency data for this variant in the population databases is considered unreliable, as metrics indicate insufficient coverage at this position in the gnomAD database. This variant has not been reported in the literature in individuals affected with ORAI1-related conditions. ClinVar contains an entry for this variant (Variation ID: 644104). Experimental studies and prediction algorithms are not available or were not evaluated, and the functional significance of this variant is currently unknown. In summary, the available evidence is currently insufficient to determine the role of this variant in disease. Therefore, it has been classified as a Variant of Uncertain Significance.

NC_000012.12:g.121626748T>G

Genes: ORAI1 (ORAI calcium release-activated calcium modulator 1; plus strand), LOC130008987 (ATAC-STARR-seq lymphoblastoid silent region 4981; plus strand). Cytogenetic location: 12q24.31.
Variant type: single nucleotide variant.
Genome position: GRCh38 VCF-style: chr12-121626748-T-G. GRCh37 (hg19) VCF-style: chr12-122064653-T-G.
Other names: c.6T>G, p.His2Gln (NM_032790.4); short protein forms H2Q.
Identifiers: ClinVar variation 644104 (VCV000644104.12), dbSNP rs1594204338, ClinGen allele CA386980249.